The following is an entry in ClinVar:

ClinVar aggregate classification (germline): Likely pathogenic (1 of 4 stars; one submission).

Submission:

Labcorp Genetics (formerly Invitae), Labcorp
Classification: Likely pathogenic. Last evaluated: 2025-07-10. Review status: criteria provided, single submitter. Criteria: Invitae Variant Classification Sherloc (09022015). Collection method: clinical testing. Allele origin: germline.
Comment: This sequence change replaces arginine, which is basic and polar, with proline, which is neutral and non-polar, at codon 396 of the TGM1 protein (p.Arg396Pro). This variant is not present in population databases (gnomAD no frequency). This variant has not been reported in the literature in individuals affected with TGM1-related conditions. Invitae Evidence Modeling of protein sequence and biophysical properties (such as structural, functional, and spatial information, amino acid conservation, physicochemical variation, residue mobility, and thermodynamic stability) indicates that this missense variant is expected to disrupt TGM1 protein function with a positive predictive value of 95%. This variant disrupts the p.Arg396 amino acid residue in TGM1. Other variant(s) that disrupt this residue have been determined to be pathogenic (PMID: 19500103, 23689228, 26762237, 27025581). This suggests that this residue is clinically significant, and that variants that disrupt this residue are likely to be disease-causing. In summary, the currently available evidence indicates that the variant is pathogenic, but additional data are needed to prove that conclusively. Therefore, this variant has been classified as Likely Pathogenic.

Literature cited by the submitters: PubMed 19500103; PubMed 23689228; PubMed 26762237; PubMed 27025581.

NM_000359.3(TGM1):c.1187G>C (p.Arg396Pro)

Gene: TGM1 (transglutaminase 1; minus strand). Cytogenetic location: 14q12.
Variant type: single nucleotide variant.
Coding change: c.1187G>C on transcript NM_000359.3 (MANE Select); coding-DNA position 1187, G replaced by C.
Protein change: p.Arg396Pro; replaces arginine 396 with proline.
Molecular consequence: missense variant.
Genome position (GRCh38, 1-based): chr14:24,258,646, C>G on the plus strand (G>C on the coding strand, the complement: TGM1 is on the minus strand). VCF-style: chr14-24258646-C-G. GRCh37 (hg19) VCF-style: chr14-24727852-C-G.
Other names: short protein forms R396P.
Identifiers: ClinVar variation 4801969 (VCV004801969.1).